The following is an entry in ClinVar:

NM_024675.4(PALB2):c.1368G>A (p.Glu456=)

Gene: PALB2 (partner and localizer of BRCA2; minus strand). Cytogenetic location: 16p12.2.
Variant type: single nucleotide variant.
Coding change: c.1368G>A on transcript NM_024675.4 (MANE Select); coding-DNA position 1368, G replaced by A.
Protein change: p.Glu456=; no amino-acid change (glutamic acid 456 retained).
Molecular consequence: synonymous variant.
Genome position (GRCh38, 1-based): chr16:23,635,178, C>T on the plus strand (G>A on the coding strand, the complement: PALB2 is on the minus strand). VCF-style: chr16-23635178-C-T. GRCh37 (hg19) VCF-style: chr16-23646499-C-T.
Identifiers: ClinVar variation 492157 (VCV000492157.17), dbSNP rs1555461319, ClinGen allele CA494461498.

ClinVar aggregate classification (germline): Benign/Likely benign. Review status: criteria provided, multiple submitters, no conflicts (2 of 4 stars). 4 submissions from 4 submitters: Benign (1); Likely benign (3). Last evaluated 2025-01-13.

Conditions:
Hereditary cancer-predisposing syndrome. Also called: Hereditary neoplastic syndrome; Tumor predisposition; Hereditary Cancer Syndrome; Neoplastic Syndromes, Hereditary. Identifiers: Orphanet 140162, MedGen C0027672, MeSH D009386, MONDO:0015356.
Familial cancer of breast. Also called: Hereditary breast cancer; hereditary breast carcinoma; BREAST CANCER, FAMILIAL. Identifiers: Orphanet 227535, MedGen C0346153, MONDO:0016419, OMIM 114480. Disease mechanism: loss of function.

gnomAD v4.1: 2 of 1,614,144 alleles (0.00012%); highest among the groups gnomAD compares: South Asian, 0.0011%; no homozygotes.

Submissions (4):

Myriad Genetics, Inc.
Classification: Benign for Familial cancer of breast. Last evaluated: 2025-01-13. Review status: criteria provided, single submitter. Criteria: Myriad Autosomal Dominant, Autosomal Recessive and X-Linked Classification Criteria (2023). Collection method: clinical testing. Allele origin: unknown.
Comment: This variant is considered benign. This variant is a silent/synonymous amino acid change and it is not expected to impact splicing.

Labcorp Genetics (formerly Invitae), Labcorp
Classification: Likely benign for Familial cancer of breast. Last evaluated: 2023-12-22. Review status: criteria provided, single submitter. Criteria: Invitae Variant Classification Sherloc (09022015). Collection method: clinical testing. Allele origin: germline.

Ambry Genetics
Classification: Likely benign for Hereditary cancer-predisposing syndrome. Last evaluated: 2020-10-25. Review status: criteria provided, single submitter. Criteria: Ambry Variant Classification Scheme 2023. Collection method: clinical testing. Allele origin: germline.

Color Diagnostics, LLC DBA Color Health
Classification: Likely benign for Hereditary cancer-predisposing syndrome. Last evaluated: 2016-11-01. Review status: criteria provided, single submitter. Criteria: ACMG Guidelines, 2015. Collection method: clinical testing. Allele origin: germline.